The following is an entry in ClinVar:

ClinVar aggregate classification (germline): Uncertain significance (1 of 4 stars; one submission).

Conditions:
ROBO2-related disorder. Also called: ROBO2-related condition.

gnomAD v4.1: 2 of 1,613,704 alleles (0.00012%); highest among the groups gnomAD compares: African/African-American, 0.0013%; no homozygotes.

Submission:

PreventionGenetics, part of Exact Sciences
Classification: Uncertain significance for ROBO2-related condition. Last evaluated: 2025-07-11. Review status: criteria provided, single submitter. Criteria: ACMG Guidelines, 2015. Collection method: clinical testing. Allele origin: germline.
Comment: The ROBO2 c.3325G>A variant is predicted to result in the amino acid substitution p.Glu1109Lys. To our knowledge, this variant has not been reported in the literature. This variant is referred to as p.Glu1093Lys in the alternate transcript NM_002942. This variant is reported in 0.012% of alleles in individuals of African descent in gnomAD. At this time, the clinical significance of this variant is uncertain due to the absence of conclusive functional and genetic evidence.

NM_001395656.1(ROBO2):c.3289G>A (p.Glu1097Lys)

Gene: ROBO2 (roundabout guidance receptor 2; plus strand). Cytogenetic location: 3p12.3.
Variant type: single nucleotide variant.
Coding change: c.3289G>A on transcript NM_001395656.1 (MANE Select); coding-DNA position 3289, G replaced by A.
Protein change: p.Glu1097Lys; replaces glutamic acid 1097 with lysine.
Molecular consequence: missense variant.
Genome position (GRCh38, 1-based): chr3:77,607,938, G>A. VCF-style: chr3-77607938-G-A. GRCh37 (hg19) VCF-style: chr3-77657089-G-A.
Other names: c.3325G>A, p.Glu1109Lys (NM_001128929.3); c.3289G>A, p.Glu1097Lys (NM_001290039.2, NM_001290040.2); c.1498G>A, p.Glu500Lys (NM_001290065.2); c.3337G>A, p.Glu1113Lys (NM_001378190.1, NM_001378200.1, NM_001378201.1 and 1 more transcripts); c.3463G>A, p.Glu1155Lys (NM_001378191.1, NM_001378195.1, NM_001378196.1); c.3358G>A, p.Glu1120Lys (NM_001378192.1, NM_001378198.1, NM_001378199.1); c.3277G>A, p.Glu1093Lys (NM_001378193.1, NM_002942.5); c.3475G>A, p.Glu1159Lys (NM_001378194.1); and 5 more; short protein forms E1109K, E1113K, E500K, E1094K, E1135K, E1158K, E1162K, E1093K.
Identifiers: ClinVar variation 4998292 (VCV004998292.1).